The following is an entry in ClinVar:

NM_000441.2(SLC26A4):c.2235+2dup

Gene: SLC26A4 (solute carrier family 26 member 4; plus strand). Cytogenetic location: 7q22.3.
Variant type: Duplication.
Coding change: c.2235+2dup on transcript NM_000441.2 (MANE Select); the canonical splice donor site of the intron after coding-DNA position 2235, one base duplicated (T; older notation c.2235+2dupT).
Molecular consequence: splice donor variant.
Genome position (GRCh38, 1-based): chr7:107,710,201, T duplicated. VCF-style (leftmost placement, unchanged base first): chr7-107710200-G-GT. GRCh37 (hg19) VCF-style: chr7-107350645-G-GT.
Other names: c.2235+2dupT (NM_000441.2).
Identifiers: ClinVar variation 4847872 (VCV004847872.1).

ClinVar aggregate classification (germline): Uncertain significance (1 of 4 stars; one submission).

Submission:

Women's Health and Genetics/Laboratory Corporation of America, LabCorp
Classification: Uncertain significance. Last evaluated: 2026-02-26. Review status: criteria provided, single submitter. Criteria: LabCorp Variant Classification Summary - May 2015. Collection method: clinical testing. Allele origin: germline.
Comment: Variant summary: SLC26A4 c.2235+2dupT alters a conserved nucleotide located close to a canonical splice site and therefore could affect mRNA splicing, leading to a significantly altered protein sequence. Several computational tools predict a significant impact on normal splicing: Four predict the variant abolishes a 5' splicing donor site. However, these predictions have yet to be confirmed by functional studies. The variant was absent in 251130 control chromosomes. The available data on variant occurrences in the general population are insufficient to allow any conclusion about variant significance. To our knowledge, no occurrence of c.2235+2dupT in individuals affected with SLC26A4-related conditions and no experimental evidence demonstrating its impact on protein function have been reported. No submitters have cited clinical-significance assessments for this variant to ClinVar. Based on the evidence outlined above, the variant was classified as uncertain significance.